The following is an entry in ClinVar:

ClinVar aggregate classification (germline): Benign/Likely benign. Review status: criteria provided, multiple submitters, no conflicts (2 of 4 stars). 6 submissions from 6 submitters: Benign (1); Likely benign (5). Last evaluated 2024-06-05.

Conditions:
Hereditary cancer-predisposing syndrome. Also called: Neoplastic Syndromes, Hereditary; Hereditary neoplastic syndrome; Tumor predisposition; Hereditary Cancer Syndrome. Identifiers: Orphanet 140162, MedGen C0027672, MeSH D009386, MONDO:0015356.
Ataxia-telangiectasia syndrome (AT). Also called: AT, COMPLEMENTATION GROUP C; ATAXIA-TELANGIECTASIA, COMPLEMENTATION GROUP A; ATAXIA-TELANGIECTASIA, FRESNO VARIANT; LOUIS-BAR SYNDROME; Ataxia-telangiectasia; Cerebello-oculocutaneous telangiectasia. Identifiers: Orphanet 100, MedGen C0004135, MONDO:0008840, OMIM 208900.
Familial cancer of breast. Also called: BREAST CANCER, FAMILIAL; hereditary breast carcinoma; Hereditary breast cancer. Identifiers: Orphanet 227535, MedGen C0346153, MONDO:0016419, OMIM 114480. Disease mechanism: loss of function.

gnomAD v4.1: 1 of 1,612,920 alleles (0.000062%); highest among the groups gnomAD compares: Non-Finnish European, 0.000085%; no homozygotes.

Submissions (6):

Labcorp Genetics (formerly Invitae), Labcorp
Classification: Likely benign for Ataxia-telangiectasia syndrome. Last evaluated: 2024-06-05. Review status: criteria provided, single submitter. Criteria: Invitae Variant Classification Sherloc (09022015). Collection method: clinical testing. Allele origin: germline.

Myriad Genetics, Inc.
Classification: Benign for Familial cancer of breast. Last evaluated: 2024-05-20. Review status: criteria provided, single submitter. Criteria: Myriad Autosomal Dominant, Autosomal Recessive and X-Linked Classification Criteria (2023). Collection method: clinical testing. Allele origin: unknown.
Comment: This variant is considered benign. This variant is a silent/synonymous amino acid change and it is not expected to impact splicing.

Ambry Genetics
Classification: Likely benign for Hereditary cancer-predisposing syndrome. Last evaluated: 2022-06-20. Review status: criteria provided, single submitter. Criteria: Ambry Variant Classification Scheme 2023. Collection method: clinical testing. Allele origin: germline.

Athena Diagnostics
Classification: Likely benign. Last evaluated: 2020-12-30. Review status: criteria provided, single submitter. Criteria: Athena Diagnostics criteria. Collection method: clinical testing. Allele origin: unknown.

GeneDx
Classification: Likely benign. Last evaluated: 2019-07-30. Review status: criteria provided, single submitter. Criteria: GeneDx Variant Classification Process June 2021. Collection method: clinical testing. Allele origin: germline. Affected: yes.

Color Diagnostics, LLC DBA Color Health
Classification: Likely benign for Hereditary cancer-predisposing syndrome. Last evaluated: 2018-02-22. Review status: criteria provided, single submitter. Criteria: ACMG Guidelines, 2015. Collection method: clinical testing. Allele origin: germline.

NM_000051.4(ATM):c.4731T>A (p.Thr1577=)

Gene: ATM (ATM serine/threonine kinase; plus strand). Cytogenetic location: 11q22.3.
Variant type: single nucleotide variant.
Coding change: c.4731T>A on transcript NM_000051.4 (MANE Select); coding-DNA position 4731, T replaced by A.
Protein change: p.Thr1577=; no amino-acid change (threonine 1577 retained).
Molecular consequence: synonymous variant.
Genome position (GRCh38, 1-based): chr11:108,293,432, T>A. VCF-style: chr11-108293432-T-A. GRCh37 (hg19) VCF-style: chr11-108164159-T-A.
Other names: c.4731T>A, p.Thr1577= (NM_001351834.2).
Identifiers: ClinVar variation 392291 (VCV000392291.18), dbSNP rs145236132, ClinGen allele CA16606084.